The following is an entry in ClinVar:

ClinVar aggregate classification (germline): Uncertain significance (1 of 4 stars; one submission).

Conditions:
Inborn genetic diseases. Identifiers: MedGen C0950123, MeSH D030342.

gnomAD v4.1: 1 of 1,614,116 alleles (0.000062%); highest among the groups gnomAD compares: Non-Finnish European, 0.000085%; no homozygotes.

Submission:

Ambry Genetics
Classification: Uncertain significance for Inborn genetic diseases. Last evaluated: 2025-08-25. Review status: criteria provided, single submitter. Criteria: Ambry Variant Classification Scheme 2023. Collection method: clinical testing. Allele origin: germline.
Comment: The p.P741L variant (also known as c.2222C>T), located in coding exon 8 of the MECOM gene, results from a C to T substitution at nucleotide position 2222. The proline at codon 741 is replaced by leucine, an amino acid with similar properties. This amino acid position is conserved. In addition, this alteration is predicted to be tolerated by in silico analysis. Based on the available evidence, the clinical significance of this variant remains unclear.

NM_004991.4(MECOM):c.2222C>T (p.Pro741Leu)

Gene: MECOM (MDS1 and EVI1 complex locus; minus strand). Cytogenetic location: 3q26.2.
Variant type: single nucleotide variant.
Coding change: c.2222C>T on transcript NM_004991.4 (MANE Select); coding-DNA position 2222, C replaced by T.
Protein change: p.Pro741Leu; replaces proline 741 with leucine.
Molecular consequence: missense variant.
Genome position (GRCh38, 1-based): chr3:169,115,650, G>A on the plus strand (C>T on the coding strand, the complement: MECOM is on the minus strand). VCF-style: chr3-169115650-G-A. GRCh37 (hg19) VCF-style: chr3-168833438-G-A.
Other names: c.1853C>T, p.Pro618Leu (NM_001105077.4); c.1658C>T, p.Pro553Leu (NM_001105078.4, NM_001164000.2, NM_001205194.2 and 4 more transcripts); c.1661C>T, p.Pro554Leu (NM_001163999.2, NM_001366467.2, NM_001366468.2 and 1 more transcripts); c.2222C>T, p.Pro741Leu (NM_001366466.2); c.1250C>T, p.Pro417Leu (NM_001366473.2); c.686C>T, p.Pro229Leu (NM_001366474.2); short protein forms P618L, P417L, P553L, P229L, P554L, P741L.
Identifiers: ClinVar variation 4105879 (VCV004105879.1).